The following is an entry in ClinVar:

NM_001371727.1(GABRB2):c.1252T>C (p.Ser418Pro)

Gene: GABRB2 (gamma-aminobutyric acid type A receptor subunit beta2; minus strand). Cytogenetic location: 5q34.
Variant type: single nucleotide variant.
Coding change: c.1252T>C on transcript NM_001371727.1 (MANE Select); coding-DNA position 1252, T replaced by C.
Protein change: p.Ser418Pro; replaces serine 418 with proline.
Molecular consequence: missense variant.
Genome position (GRCh38, 1-based): chr5:161,294,368, A>G on the plus strand (T>C on the coding strand, the complement: GABRB2 is on the minus strand). VCF-style: chr5-161294368-A-G. GRCh37 (hg19) VCF-style: chr5-160721375-A-G.
Other names: c.1138T>C, p.Ser380Pro (NM_000813.3); c.1252T>C, p.Ser418Pro (NM_021911.3); short protein forms S380P, S418P.
Identifiers: ClinVar variation 2049374 (VCV002049374.4), dbSNP rs756144528, ClinGen allele CA3543355.

ClinVar aggregate classification (germline): Uncertain significance (1 of 4 stars; one submission).

Conditions:
Intellectual disability. Also called: Intellectual functioning disability; intellectual disabilities; Intellectual developmental disorder. Identifiers: MedGen C3714756, MeSH D008607, MONDO:0001071, HP:0001249.

Allele frequency attached by ClinVar (database versions not stated): gnomAD exomes 0.00001; ExAC 0.00002.
gnomAD v4.1: 11 of 1,614,094 alleles (0.00068%); highest among the groups gnomAD compares: South Asian, 0.012%; no homozygotes.

Submission:

Labcorp Genetics (formerly Invitae), Labcorp
Classification: Uncertain significance for Intellectual disability. Last evaluated: 2022-10-07. Review status: criteria provided, single submitter. Criteria: Invitae Variant Classification Sherloc (09022015). Collection method: clinical testing. Allele origin: germline.
Comment: This sequence change replaces serine, which is neutral and polar, with proline, which is neutral and non-polar, at codon 418 of the GABRB2 protein (p.Ser418Pro). In summary, the available evidence is currently insufficient to determine the role of this variant in disease. Therefore, it has been classified as a Variant of Uncertain Significance. Algorithms developed to predict the effect of missense changes on protein structure and function (SIFT, PolyPhen-2, Align-GVGD) all suggest that this variant is likely to be tolerated. This variant has not been reported in the literature in individuals affected with GABRB2-related conditions. This variant is present in population databases (rs756144528, gnomAD 0.006%).